The following is an entry in ClinVar:

ClinVar aggregate classification (germline): Uncertain significance (1 of 4 stars; one submission).

Conditions:
POLD1-related polyposis and colorectal cancer syndrome (CRCS10). Also called: Colorectal cancer 10; COLORECTAL CANCER, SUSCEPTIBILITY TO, ON CHROMOSOME 19q; Colorectal cancer, susceptibility to, 10. Identifiers: Orphanet 220460, MedGen C2675481, MONDO:0012953, OMIM 612591.

Submission:

Labcorp Genetics (formerly Invitae), Labcorp
Classification: Uncertain significance for POLD1-related polyposis and colorectal cancer syndrome. Last evaluated: 2025-02-19. Review status: criteria provided, single submitter. Criteria: Invitae Variant Classification Sherloc (09022015). Collection method: clinical testing. Allele origin: germline.
Comment: This sequence change falls in intron 16 of the POLD1 gene. It does not directly change the encoded amino acid sequence of the POLD1 protein. It affects a nucleotide within the consensus splice site. This variant is not present in population databases (gnomAD no frequency). This variant has not been reported in the literature in individuals affected with POLD1-related conditions. Variants that disrupt the consensus splice site are a relatively common cause of aberrant splicing (PMID: 17576681, 9536098). Algorithms developed to predict the effect of sequence changes on RNA splicing suggest that this variant is not likely to affect RNA splicing. In summary, the available evidence is currently insufficient to determine the role of this variant in disease. Therefore, it has been classified as a Variant of Uncertain Significance.

Literature cited by the submitters: PubMed 17576681; PubMed 9536098.

NM_002691.4(POLD1):c.2006+4A>C

Gene: POLD1 (DNA polymerase delta 1, catalytic subunit; plus strand). Cytogenetic location: 19q13.33.
Variant type: single nucleotide variant.
Coding change: c.2006+4A>C on transcript NM_002691.4 (MANE Select); 4 bases into the intron after coding-DNA position 2006, A replaced by C.
Molecular consequence: intron variant.
Genome position (GRCh38, 1-based): chr19:50,409,239, A>C. VCF-style: chr19-50409239-A-C. GRCh37 (hg19) VCF-style: chr19-50912496-A-C.
Other names: c.2006+4A>C (NM_001256849.1); c.2084+4A>C (NM_001308632.1).
Identifiers: ClinVar variation 3639807 (VCV003639807.2).
Genomic context (GRCh38, chr19:50,409,239, plus strand): 5'-AGTGCGGAAGGGGCTGCTGCCCCAGATCCTGGAGAACCTGCTCAGTGCCCGGAAGAGGTG[A>C]GCCCTGGAGATCGCCTGCTTGGAGCTCAGACCTGTTGGGGCCTCTGGGCAATCCCTGTCC-3'